The following is an entry in ClinVar:

ClinVar aggregate classification (germline): Uncertain significance (1 of 4 stars; one submission).

Conditions:
Myofibrillar myopathy 5. Also called: Filaminopathy (type); FILAMINOPATHY, AUTOSOMAL DOMINANT. Identifiers: Orphanet 171445, MedGen C1836050, MONDO:0012289, OMIM 609524.
Distal myopathy with posterior leg and anterior hand involvement. Also called: WILLIAMS DISTAL MYOPATHY. Identifiers: Orphanet 63273, MedGen C3279722, MONDO:0013550, OMIM 614065.
Hypertrophic cardiomyopathy 26. Also called: Cardiomyopathy, familial hypertrophic, 26. Identifiers: Orphanet 75249, MedGen C4310749, MONDO:0014883, OMIM 617047.

Allele frequency attached by ClinVar (database versions not stated): gnomAD exomes below 0.00001; TOPMed below 0.00001.
gnomAD v4.1: 3 of 1,613,766 alleles (0.00019%); highest among the groups gnomAD compares: Admixed American, 0.0017%; no homozygotes.

Submission:

Labcorp Genetics (formerly Invitae), Labcorp
Classification: Uncertain significance for Distal myopathy with posterior leg and anterior hand involvement; Myofibrillar myopathy 5; Hypertrophic cardiomyopathy 26. Last evaluated: 2021-06-28. Review status: criteria provided, single submitter. Criteria: Invitae Variant Classification Sherloc (09022015). Collection method: clinical testing. Allele origin: germline.
Comment: In summary, the available evidence is currently insufficient to determine the role of this variant in disease. Therefore, it has been classified as a Variant of Uncertain Significance. Algorithms developed to predict the effect of missense changes on protein structure and function are either unavailable or do not agree on the potential impact of this missense change (SIFT: "Deleterious"; PolyPhen-2: "Probably Damaging"; Align-GVGD: "Class C0"). This variant has not been reported in the literature in individuals affected with FLNC-related conditions. This variant is not present in population databases (ExAC no frequency). This sequence change replaces glycine with aspartic acid at codon 2021 of the FLNC protein (p.Gly2021Asp). The glycine residue is highly conserved and there is a moderate physicochemical difference between glycine and aspartic acid.

NM_001458.5(FLNC):c.6062G>A (p.Gly2021Asp)

Genes: FLNC (filamin C; plus strand), FLNC-AS1 (FLNC antisense RNA 1; minus strand). Cytogenetic location: 7q32.1.
Variant type: single nucleotide variant.
Coding change: c.6062G>A on transcript NM_001458.5 (MANE Select); coding-DNA position 6062, G replaced by A.
Protein change: p.Gly2021Asp; replaces glycine 2021 with aspartic acid.
Molecular consequence: missense variant.
Genome position (GRCh38, 1-based): chr7:128,852,885, G>A. VCF-style: chr7-128852885-G-A. GRCh37 (hg19) VCF-style: chr7-128492939-G-A.
Other names: c.5963G>A, p.Gly1988Asp (NM_001127487.2); short protein forms G1988D, G2021D.
Identifiers: ClinVar variation 1509890 (VCV001509890.8), dbSNP rs1439304519, ClinGen allele CA369211117.